The following is an entry in ClinVar:

NM_001099922.3(ALG13):c.314T>A (p.Met105Lys)

Gene: ALG13 (ALG13 UDP-N-acetylglucosaminyltransferase subunit; plus strand). Cytogenetic location: Xq23.
Variant type: single nucleotide variant.
Coding change: c.314T>A on transcript NM_001099922.3 (MANE Select); coding-DNA position 314, T replaced by A.
Protein change: p.Met105Lys; replaces methionine 105 with lysine.
Molecular consequence: missense variant. On other transcripts: initiator codon variant (9), non-coding transcript variant (3).
Genome position (GRCh38, 1-based): chrX:111,685,034, T>A. VCF-style: chrX-111685034-T-A. GRCh37 (hg19) VCF-style: chrX-110928262-T-A.
Other names: c.255T>A, p.Asp85Glu (NM_001039210.5); c.314T>A, p.Met105Lys (NM_001168385.3, NM_001324292.2, NM_018466.6); c.2T>A, p.Met1Lys (NM_001257230.2, NM_001257234.2, NM_001257235.3 and 6 more transcripts); c.80T>A, p.Met27Lys (NM_001257231.2, NM_001257241.3); c.320T>A, p.Met107Lys (NM_001324290.2); short protein forms D85E, M105K, M107K, M1K, M27K.
Identifiers: ClinVar variation 4975707 (VCV004975707.1).

ClinVar aggregate classification (germline): Uncertain significance (1 of 4 stars; one submission).

Submission:

GeneDx
Classification: Uncertain significance. Last evaluated: 2026-01-26. Review status: criteria provided, single submitter. Criteria: GeneDx Variant Classification Process June 2021. Collection method: clinical testing. Allele origin: germline.
Comment: Not observed at significant frequency in large population cohorts (gnomAD); In silico analysis supports that this missense variant has a deleterious effect on protein structure/function; Has not been previously published as pathogenic or benign to our knowledge